The following is an entry in ClinVar:

ClinVar aggregate classification (germline): Uncertain significance. Review status: criteria provided, multiple submitters, no conflicts (2 of 4 stars). 5 submissions from 5 submitters: Uncertain significance (5). Last evaluated 2026-03-10.

Conditions:
PRX-related disorder. Also called: PRX-Related Disorders; PRX-related condition.
Inborn genetic diseases. Identifiers: MedGen C0950123, MeSH D030342.
Charcot-Marie-Tooth disease type 4. Also called: Charcot-Marie-Tooth disease, type IV; Charcot-Marie-Tooth, Type 4. Identifiers: Orphanet 64749, MedGen C4082197, MONDO:0018995.

Allele frequency attached by ClinVar (database versions not stated): gnomAD 0.00008 and 0.00009; ExAC 0.00010; gnomAD exomes 0.00011 and 0.00020; TOPMed 0.00011.
gnomAD v4.1: 296 of 1,599,838 alleles (0.019%); highest among the groups gnomAD compares: Middle Eastern, 0.05%; no homozygotes.

Submissions (5):

PreventionGenetics, part of Exact Sciences
Classification: Uncertain significance for PRX-related condition. Last evaluated: 2026-03-10. Review status: criteria provided, single submitter. Criteria: ACMG Guidelines, 2015. Collection method: clinical testing. Allele origin: germline.
Comment: The PRX c.4129C>T variant is predicted to result in the amino acid substitution p.Arg1377Cys. To our knowledge, this variant has not been reported in the literature. This variant is reported in 0.017% of alleles in individuals of European (non-Finnish) descent in gnomAD, which may be too frequent to be a primary cause of an autosomal dominant disease. At this time, the clinical significance of this variant is uncertain due to the absence of conclusive functional and genetic evidence.

GeneDx
Classification: Uncertain significance. Last evaluated: 2025-12-30. Review status: criteria provided, single submitter. Criteria: GeneDx Variant Classification Process June 2021. Collection method: clinical testing. Allele origin: germline. Affected: yes.
Comment: In silico analysis supports that this missense variant has a deleterious effect on protein structure/function; Has not been previously published as pathogenic or benign to our knowledge

Ambry Genetics
Classification: Uncertain significance for Inborn genetic diseases. Last evaluated: 2025-10-22. Review status: criteria provided, single submitter. Criteria: Ambry Variant Classification Scheme 2023. Collection method: clinical testing. Allele origin: germline.

Labcorp Genetics (formerly Invitae), Labcorp
Classification: Uncertain significance for Charcot-Marie-Tooth disease type 4. Last evaluated: 2022-08-20. Review status: criteria provided, single submitter. Criteria: Invitae Variant Classification Sherloc (09022015). Collection method: clinical testing. Allele origin: germline.
Comment: This sequence change replaces arginine, which is basic and polar, with cysteine, which is neutral and slightly polar, at codon 1377 of the PRX protein (p.Arg1377Cys). This variant is present in population databases (rs768524850, gnomAD 0.02%). This variant has not been reported in the literature in individuals affected with PRX-related conditions. ClinVar contains an entry for this variant (Variation ID: 245902). Algorithms developed to predict the effect of missense changes on protein structure and function are either unavailable or do not agree on the potential impact of this missense change (SIFT: "Deleterious"; PolyPhen-2: "Possibly Damaging"; Align-GVGD: "Class C15"). In summary, the available evidence is currently insufficient to determine the role of this variant in disease. Therefore, it has been classified as a Variant of Uncertain Significance.

Mayo Clinic Laboratories, Mayo Clinic
Classification: Uncertain significance. Last evaluated: 2021-08-17. Review status: criteria provided, single submitter. Criteria: ACMG Guidelines, 2015. Collection method: clinical testing. Allele origin: germline.

NM_181882.3(PRX):c.4129C>T (p.Arg1377Cys)

Gene: PRX (periaxin; minus strand). Cytogenetic location: 19q13.2.
Variant type: single nucleotide variant.
Coding change: c.4129C>T on transcript NM_181882.3 (MANE Select); coding-DNA position 4129, C replaced by T.
Protein change: p.Arg1377Cys; replaces arginine 1377 with cysteine.
Molecular consequence: missense variant. On other transcripts: 3 prime UTR variant (1).
Genome position (GRCh38, 1-based): chr19:40,394,223, G>A on the plus strand (C>T on the coding strand, the complement: PRX is on the minus strand). VCF-style: chr19-40394223-G-A. GRCh37 (hg19) VCF-style: chr19-40900130-G-A.
Other names: c.*4334C>T (NM_020956.2); short protein forms R1377C.
Identifiers: ClinVar variation 245902 (VCV000245902.18), dbSNP rs768524850, ClinGen allele CA9443686.